The following is an entry in ClinVar:

ClinVar aggregate classification (germline): Pathogenic (1 of 4 stars; one submission).

Conditions:
Severe combined immunodeficiency due to DCLRE1C deficiency (RS-SCID). Also called: SCID, AUTOSOMAL RECESSIVE, T CELL-NEGATIVE, B CELL-NEGATIVE, NK CELL-POSITIVE, WITH SENSITIVITY TO IONIZING RADIATION. Identifiers: Orphanet 275, MedGen C1865371, MONDO:0011225, OMIM 602450.

Submission:

Labcorp Genetics (formerly Invitae), Labcorp
Classification: Pathogenic for Athabaskan severe combined immunodeficiency. Last evaluated: 2023-11-06. Review status: criteria provided, single submitter. Criteria: Invitae Variant Classification Sherloc (09022015). Collection method: clinical testing. Allele origin: germline.
Comment: This sequence change creates a premature translational stop signal (p.Leu189Trpfs*16) in the DCLRE1C gene. It is expected to result in an absent or disrupted protein product. Loss-of-function variants in DCLRE1C are known to be pathogenic (PMID: 21664875, 26123418). This variant is not present in population databases (gnomAD no frequency). This variant has not been reported in the literature in individuals affected with DCLRE1C-related conditions. For these reasons, this variant has been classified as Pathogenic.

Literature cited by the submitters: PubMed 21664875; PubMed 26123418.

NM_001033855.3(DCLRE1C):c.565del (p.Leu189fs)

Gene: DCLRE1C (DNA cross-link repair 1C; minus strand). Cytogenetic location: 10p13.
Variant type: Deletion.
Coding change: c.565del on transcript NM_001033855.3 (MANE Select); coding-DNA position 565, one base deleted (C; older notation c.565delC).
Protein change: p.Leu189fs; shifts the reading frame from leucine 189.
Molecular consequence: frameshift variant. On other transcripts: non-coding transcript variant (4).
Genome position (GRCh38, 1-based): chr10:14,934,493, G deleted on the plus strand (C on the coding strand, the reverse complement: DCLRE1C is on the minus strand). VCF-style (leftmost placement, unchanged base first): chr10-14934492-AG-A. GRCh37 (hg19) VCF-style: chr10-14976491-AG-A.
Other names: c.220del, p.Leu74fs (NM_022487.4, NM_001289076.2, NM_001289078.2 and 1 more transcripts); c.205del, p.Leu69fs (NM_001033857.3, NM_001033858.3, NM_001289077.2 and 2 more transcripts); c.565del, p.Leu189fs (NM_001350965.2); short protein forms L69fs, L74fs, L189fs.
Identifiers: ClinVar variation 2729681 (VCV002729681.3), dbSNP rs2492025312, ClinGen allele CA2697558265.